The following is an entry in ClinVar:

NM_015374.3(SUN2):c.853C>T (p.Arg285Trp)

Genes: GTPBP1 (GTP binding protein 1; plus strand), SUN2 (Sad1 and UNC84 domain containing 2; minus strand). Cytogenetic location: 22q13.1.
Variant type: single nucleotide variant.
Coding change: c.853C>T on transcript NM_015374.3 (MANE Select); coding-DNA position 853, C replaced by T.
Protein change: p.Arg285Trp; replaces arginine 285 with tryptophan.
Molecular consequence: missense variant. On other transcripts: intron variant (3).
Genome position (GRCh38, 1-based): chr22:38,742,516, G>A on the plus strand (C>T on the coding strand, the complement: SUN2 is on the minus strand). VCF-style: chr22-38742516-G-A. GRCh37 (hg19) VCF-style: chr22-39138521-G-A.
Other names: c.916C>T, p.Arg306Trp (NM_001199579.2, NM_001394428.1); c.853C>T, p.Arg285Trp (NM_001199580.2, NM_001394431.1, NM_001394432.1 and 5 more transcripts); c.946C>T, p.Arg316Trp (NM_001394427.1); c.898C>T, p.Arg300Trp (NM_001394429.1, NM_001394430.1); c.763C>T, p.Arg255Trp (NM_001394438.1); c.715C>T, p.Arg239Trp (NM_001394439.1, NM_001394440.1, NM_001394441.1); c.361C>T, p.Arg121Trp (NM_001394443.1); c.615-2084C>T (NM_001394444.1, NM_001394445.1); and 1 more; short protein forms R306W, R316W, R239W, R121W, R255W, R300W, R285W.
Identifiers: ClinVar variation 3708861 (VCV003708861.2).

ClinVar aggregate classification (germline): Uncertain significance (1 of 4 stars; one submission).

Conditions:
Emery-Dreifuss muscular dystrophy (EDMD). Also called: Scapuloperoneal syndrome, X-linked (formerly); Humeroperoneal neuromuscular disease, (formerly). Identifiers: Orphanet 261, MedGen C0410189, MONDO:0016830.

gnomAD v4.1: 14 of 1,612,994 alleles (0.00087%); highest among the groups gnomAD compares: African/African-American, 0.008%; no homozygotes.

Submission:

Labcorp Genetics (formerly Invitae), Labcorp
Classification: Uncertain significance for Emery-Dreifuss muscular dystrophy. Last evaluated: 2024-03-22. Review status: criteria provided, single submitter. Criteria: Invitae Variant Classification Sherloc (09022015). Collection method: clinical testing. Allele origin: germline.
Comment: This sequence change replaces arginine, which is basic and polar, with tryptophan, which is neutral and slightly polar, at codon 285 of the SUN2 protein (p.Arg285Trp). This variant is present in population databases (rs764214012, gnomAD 0.02%). This variant has not been reported in the literature in individuals affected with SUN2-related conditions. An algorithm developed to predict the effect of missense changes on protein structure and function (PolyPhen-2) suggests that this variant is likely to be disruptive. In summary, the available evidence is currently insufficient to determine the role of this variant in disease. Therefore, it has been classified as a Variant of Uncertain Significance.